The following is an entry in ClinVar:

NM_000360.4(TH):c.1048-110A>C

Gene: TH (tyrosine hydroxylase; minus strand). Cytogenetic location: 11p15.5.
Variant type: single nucleotide variant.
Coding change: c.1048-110A>C on transcript NM_000360.4 (MANE Select); 110 bases into the intron before coding-DNA position 1048, A replaced by C.
Molecular consequence: intron variant.
Genome position (GRCh38, 1-based): chr11:2,166,168, T>G on the plus strand (A>C on the coding strand, the complement: TH is on the minus strand). VCF-style: chr11-2166168-T-G. GRCh37 (hg19) VCF-style: chr11-2187398-T-G.
Other names: c.1129-110A>C (NM_199293.3); c.1141-110A>C (NM_199292.3).
Identifiers: ClinVar variation 1185443 (VCV001185443.8), dbSNP rs4072823, ClinGen allele CA216284183.
Genomic context (GRCh38, chr11:2,166,168, plus strand): 5'-CTCGAGGTGGGGGCACCGGGGGTGTCAGCAGCCCCTCCAGGGGTCTCTGGGACACTTCCC[T>G]GGCGGCAGAGACCTTCCCTGGCCGCCCAGGATCCGCACCTCCACCGGGCCTCCTCCTCCA-3'

ClinVar aggregate classification (germline): Benign. Review status: criteria provided, multiple submitters, no conflicts (2 of 4 stars). 4 submissions from 4 submitters: Benign (4). Last evaluated 2024-07-31.

Conditions:
TH-deficient dopa-responsive dystonia. Also called: DYT-TH; Tyrosine Hydroxylase-Deficient Dopa-Responsive Dystonia; Segawa syndrome, autosomal recessive. Identifiers: Orphanet 101150, MedGen C2673535, MONDO:0011551, OMIM 605407.

Allele frequency attached by ClinVar (database versions not stated): TOPMed 0.90830; 1000 Genomes Project 30x 0.91193; 1000 Genomes Project 0.91653; gnomAD exomes 0.99112.
gnomAD v4.1: 1,244,010 of 1,266,748 alleles (98%); highest among the groups gnomAD compares: East Asian, 100%; 613,438 homozygotes.

Submissions (4):

Unidad de Genómica Garrahan, Hospital de Pediatría Garrahan
Classification: Benign. Last evaluated: 2024-07-31. Review status: criteria provided, single submitter. Criteria: ACMG Guidelines, 2015. Collection method: clinical testing. Allele origin: germline. Affected: no. Observed: 89 variant alleles.
Comment: This variant is classified as Benign based on local population frequency. This variant was detected in 96% of patients studied in a panel designed for Epileptic and Developmental Encephalopathy, Progressive Myoclonus Epilepsy and Abnormal Movements and Neurodegeneration with brain iron accumulation. Number of patients: 89. Only high quality variants are reported.

Genome-Nilou Lab
Classification: Benign for TH-deficient dopa-responsive dystonia. Last evaluated: 2021-07-14. Review status: criteria provided, single submitter. Criteria: ACMG Guidelines, 2015. Collection method: clinical testing. Allele origin: germline. Affected: no.

GeneDx
Classification: Benign. Last evaluated: 2018-06-26. Review status: criteria provided, single submitter. Criteria: GeneDx Variant Classification Process June 2021. Collection method: clinical testing. Allele origin: germline. Affected: yes.

Breakthrough Genomics
Classification: Benign. Review status: criteria provided, single submitter. Criteria: ACMG Guidelines, 2015. Collection method: not provided. Allele origin: germline. Inheritance: Autosomal recessive inheritance. Affected: yes.